The following is an entry in ClinVar:

NM_001854.4(COL11A1):c.1900-1G>A

Gene: COL11A1 (collagen type XI alpha 1 chain; minus strand). Cytogenetic location: 1p21.1.
Variant type: single nucleotide variant.
Coding change: c.1900-1G>A on transcript NM_001854.4 (MANE Select); the canonical splice acceptor site of the intron before coding-DNA position 1900, G replaced by A.
Molecular consequence: splice acceptor variant.
Genome position (GRCh38, 1-based): chr1:103,004,489, C>T on the plus strand (G>A on the coding strand, the complement: COL11A1 is on the minus strand). VCF-style: chr1-103004489-C-T. GRCh37 (hg19) VCF-style: chr1-103470045-C-T.
Other names: c.1783-1G>A (NM_001190709.2); c.1936-1G>A (NM_080629.3); c.1552-1G>A (NM_080630.4).
Identifiers: ClinVar variation 2439194 (VCV002439194.4), dbSNP rs2525386670, ClinGen allele CA341172752.

ClinVar aggregate classification (germline): Likely pathogenic. Review status: criteria provided, multiple submitters, no conflicts (2 of 4 stars). 2 submissions from 2 submitters: Likely pathogenic (2). Last evaluated 2025-05-11.

Submissions (2):

GeneDx
Classification: Likely pathogenic. Last evaluated: 2025-05-11. Review status: criteria provided, single submitter. Criteria: GeneDx Variant Classification Process June 2021. Collection method: clinical testing. Allele origin: germline. Affected: yes.
Comment: Reported in association with Stickler syndrome (PMID: 20513134, 25240749); Canonical splice site variant resulting in an in-frame loss of the adjacent exon in a gene for which loss of function is a known mechanism of disease (PMID: 20513134); Not observed at significant frequency in large population cohorts (gnomAD); Deletions involving coding exons of this gene are a known mechanism of disease; This variant is associated with the following publications: (PMID: 25525159, 20513134, 25240749)

Revvity Omics, Revvity
Classification: Likely pathogenic. Last evaluated: 2022-09-22. Review status: criteria provided, single submitter. Criteria: ACMG Guidelines, 2015. Collection method: clinical testing. Allele origin: germline.